The following is an entry in ClinVar:

NM_001164665.2(KIAA1549):c.53G>T (p.Arg18Leu)

Gene: KIAA1549 (KIAA1549; minus strand). Cytogenetic location: 7q34.
Variant type: single nucleotide variant.
Coding change: c.53G>T on transcript NM_001164665.2 (MANE Select); coding-DNA position 53, G replaced by T.
Protein change: p.Arg18Leu; replaces arginine 18 with leucine.
Molecular consequence: missense variant.
Genome position (GRCh38, 1-based): chr7:138,981,217, C>A on the plus strand (G>T on the coding strand, the complement: KIAA1549 is on the minus strand). VCF-style: chr7-138981217-C-A. GRCh37 (hg19) VCF-style: chr7-138665963-C-A.
Other names: c.53G>T, p.Arg18Leu (NM_020910.3); short protein forms R18L.
Identifiers: ClinVar variation 1523297 (VCV001523297.6), dbSNP rs1814542023, ClinGen allele CA369382561.

ClinVar aggregate classification (germline): Uncertain significance (1 of 4 stars; one submission).

Submission:

Labcorp Genetics (formerly Invitae), Labcorp
Classification: Uncertain significance. Last evaluated: 2021-10-07. Review status: criteria provided, single submitter. Criteria: Invitae Variant Classification Sherloc (09022015). Collection method: clinical testing. Allele origin: germline.
Comment: This sequence change replaces arginine with leucine at codon 18 of the KIAA1549 protein (p.Arg18Leu). The arginine residue is weakly conserved and there is a moderate physicochemical difference between arginine and leucine. In summary, the available evidence is currently insufficient to determine the role of this variant in disease. Therefore, it has been classified as a Variant of Uncertain Significance. Algorithms developed to predict the effect of missense changes on protein structure and function are either unavailable or do not agree on the potential impact of this missense change (SIFT: "Deleterious"; PolyPhen-2: "Benign"; Align-GVGD: "Class C0"). This variant has not been reported in the literature in individuals affected with KIAA1549-related conditions. The frequency data for this variant in the population databases is considered unreliable, as metrics indicate insufficient coverage at this position in the ExAC database.